The following is an entry in ClinVar:

NM_001374353.1(GLI2):c.757C>T (p.Pro253Ser)

Gene: GLI2 (GLI family zinc finger 2; plus strand). Cytogenetic location: 2q14.2.
Variant type: single nucleotide variant.
Coding change: c.757C>T on transcript NM_001374353.1 (MANE Select); coding-DNA position 757, C replaced by T.
Protein change: p.Pro253Ser; replaces proline 253 with serine.
Molecular consequence: missense variant.
Genome position (GRCh38, 1-based): chr2:120,968,827, C>T. VCF-style: chr2-120968827-C-T. GRCh37 (hg19) VCF-style: chr2-121726403-C-T.
Other names: c.757C>T, p.Pro253Ser (NM_001371271.1, NM_005270.5); c.382C>T, p.Pro128Ser (NM_001374354.1); short protein forms P128S, P253S.
Identifiers: ClinVar variation 3340209 (VCV003340209.1).

ClinVar aggregate classification (germline): Uncertain significance (1 of 4 stars; one submission).

Submission:

GeneDx
Classification: Uncertain significance. Last evaluated: 2023-05-02. Review status: criteria provided, single submitter. Criteria: GeneDx Variant Classification Process June 2021. Collection method: clinical testing. Allele origin: germline. Affected: yes.
Comment: Not observed at significant frequency in large population cohorts (gnomAD); In silico analysis supports that this missense variant has a deleterious effect on protein structure/function; Observed in a patient wtih pituitary hormone deficiency; but is unknown whether this individual was screened for variants in other genes associated with this disorder and family history/segregation data was not provided (Franca et al., 2013) Frana MM et al. (2013) Clinical endocrinology 78 (4):551-7 (PMID: 22967285); This variant is associated with the following publications: (PMID: 34921505, 22967285)